The following is an entry in ClinVar:

NM_001013630.2(AADACL4):c.514C>G (p.His172Asp)

Gene: AADACL4 (arylacetamide deacetylase like 4; plus strand). Cytogenetic location: 1p36.21.
Variant type: single nucleotide variant.
Coding change: c.514C>G on transcript NM_001013630.2 (MANE Select); coding-DNA position 514, C replaced by G.
Protein change: p.His172Asp; replaces histidine 172 with aspartic acid.
Molecular consequence: missense variant.
Genome position (GRCh38, 1-based): chr1:12,666,025, C>G. VCF-style: chr1-12666025-C-G. GRCh37 (hg19) VCF-style: chr1-12726036-C-G.
Other names: short protein forms H172D.
Identifiers: ClinVar variation 2638256 (VCV002638256.24), dbSNP rs142659885, ClinGen allele CA605009.

ClinVar aggregate classification (germline): Likely benign (1 of 4 stars; one submission).

Allele frequency attached by ClinVar (database versions not stated): 1000 Genomes Project 30x 0.00187; 1000 Genomes Project 0.00220; ExAC 0.00241; ESP Exome Variant Server 0.00254; gnomAD 0.00255; TOPMed 0.00269.
gnomAD v4.1: 4,919 of 1,614,202 alleles (0.3%); highest among the groups gnomAD compares: Middle Eastern, 1.5%; 22 homozygotes.

Submission:

CeGaT Center for Human Genetics Tuebingen
Classification: Likely benign. Last evaluated: 2023-11-01. Review status: criteria provided, single submitter. Criteria: CeGaT Center For Human Genetics Tuebingen Variant Classification Criteria Version 2. Collection method: clinical testing. Allele origin: germline. Affected: yes. Observed: 2 variant alleles.
Comment: AADACL4: BP4, BS2